The following is an entry in ClinVar:

NM_007118.4(TRIO):c.5353A>G (p.Ser1785Gly)

Gene: TRIO (trio Rho guanine nucleotide exchange factor; plus strand). Cytogenetic location: 5p15.2.
Variant type: single nucleotide variant.
Coding change: c.5353A>G on transcript NM_007118.4 (MANE Select); coding-DNA position 5353, A replaced by G.
Protein change: p.Ser1785Gly; replaces serine 1785 with glycine.
Molecular consequence: missense variant. On other transcripts: non-coding transcript variant (1).
Genome position (GRCh38, 1-based): chr5:14,461,168, A>G. VCF-style: chr5-14461168-A-G. GRCh37 (hg19) VCF-style: chr5-14461277-A-G.
Other names: short protein forms S1785G.
Identifiers: ClinVar variation 5020246 (VCV005020246.1).

ClinVar aggregate classification (germline): Uncertain significance (1 of 4 stars; one submission).

gnomAD v4.1: 1 of 1,558,216 alleles (0.000064%); highest among the groups gnomAD compares: South Asian, 0.0012%; no homozygotes.

Submission:

Dasa
Classification: Uncertain significance. Last evaluated: 2026-07-04. Review status: criteria provided, single submitter. Criteria: DASA Assertion Criteria. Collection method: clinical testing. Allele origin: germline.
Comment: NM_007118.4(TRIO):c.5353A>G (p.Ser1785Gly) is a missense variant that results in the substitution of serine with glycine. This variant is rare in population databases. The currently available literature and clinical evidence are not sufficient to establish a definitive association between this variant and the reported condition. Therefore, this variant is classified as a variant of uncertain significance.